The following is an entry in ClinVar:

NM_080680.3(COL11A2):c.27CCT[4] (p.Leu14del)

Gene: COL11A2 (collagen type XI alpha 2 chain; minus strand). Cytogenetic location: 6p21.32.
Variant type: Microsatellite.
Coding change: c.27CCT[4] on transcript NM_080680.3 (MANE Select); four copies in a row of the 3-base unit CCT starting at c.27; the reference has five copies in a row; one copy, 3 bases deleted.
Protein change: p.Leu14del; deletes leucine 14.
Molecular consequence: inframe deletion. On other transcripts: intron variant (1).
Genome position (GRCh38, 1-based): chr6:33,192,200-33,192,202, AGG deleted on the plus strand (CCT on the coding strand, the reverse complement: COL11A2 is on the minus strand); deleting any 3 consecutive bases within chr6:33,192,200-33,192,214 gives the same sequence; the position shown is the placement nearest the transcript's 3' end. VCF-style (leftmost placement, unchanged base first): chr6-33192199-TAGG-T. GRCh37 (hg19) VCF-style: chr6-33159976-TAGG-T.
Other names: c.27CCT[4], p.Leu14del (NM_001163771.2, NM_001424108.1, NM_080679.3 and 1 more transcripts); c.-765+811CCT[4] (NM_001424111.1); short protein forms L14del.
Identifiers: ClinVar variation 4736885 (VCV004736885.1).

ClinVar aggregate classification (germline): Uncertain significance (1 of 4 stars; one submission).

Submission:

Labcorp Genetics (formerly Invitae), Labcorp
Classification: Uncertain significance. Last evaluated: 2025-04-08. Review status: criteria provided, single submitter. Criteria: Invitae Variant Classification Sherloc (09022015). Collection method: clinical testing. Allele origin: germline.
Comment: This variant, c.39_41del, results in the deletion of 1 amino acid(s) of the COL11A2 protein (p.Leu14del), but otherwise preserves the integrity of the reading frame. The frequency data for this variant in the population databases is considered unreliable, as metrics indicate poor data quality at this position in the gnomAD database. This variant has not been reported in the literature in individuals affected with COL11A2-related conditions. In summary, the available evidence is currently insufficient to determine the role of this variant in disease. Therefore, it has been classified as a Variant of Uncertain Significance.